The following is an entry in ClinVar:

ClinVar aggregate classification (germline): Uncertain significance (1 of 4 stars; one submission).

Submission:

Labcorp Genetics (formerly Invitae), Labcorp
Classification: Uncertain significance. Last evaluated: 2024-08-28. Review status: criteria provided, single submitter. Criteria: Invitae Variant Classification Sherloc (09022015). Collection method: clinical testing. Allele origin: germline.
Comment: This sequence change replaces glycine, which is neutral and non-polar, with glutamic acid, which is acidic and polar, at codon 76 of the ABCB7 protein (p.Gly76Glu). This variant is not present in population databases (gnomAD no frequency). This variant has not been reported in the literature in individuals affected with ABCB7-related conditions. An algorithm developed to predict the effect of missense changes on protein structure and function (PolyPhen-2) suggests that this variant is likely to be tolerated. In summary, the available evidence is currently insufficient to determine the role of this variant in disease. Therefore, it has been classified as a Variant of Uncertain Significance.

NM_001271696.3(ABCB7):c.224G>A (p.Gly75Glu)

Gene: ABCB7 (ATP binding cassette subfamily B member 7; minus strand). Cytogenetic location: Xq13.3.
Variant type: single nucleotide variant.
Coding change: c.224G>A on transcript NM_001271696.3 (MANE Select); coding-DNA position 224, G replaced by A.
Protein change: p.Gly75Glu; replaces glycine 75 with glutamic acid.
Molecular consequence: missense variant. On other transcripts: intron variant (1).
Genome position (GRCh38, 1-based): chrX:75,114,776, C>T on the plus strand (G>A on the coding strand, the complement: ABCB7 is on the minus strand). VCF-style: chrX-75114776-C-T. GRCh37 (hg19) VCF-style: chrX-74334611-C-T.
Other names: c.169-1804G>A (NM_001271698.3); c.224G>A, p.Gly75Glu (NM_001271697.3); c.227G>A, p.Gly76Glu (NM_001271699.3, NM_004299.6); short protein forms G75E, G76E.
Identifiers: ClinVar variation 3662890 (VCV003662890.2).